The following is an entry in ClinVar:

ClinVar aggregate classification (germline): Likely benign. Review status: criteria provided, multiple submitters, no conflicts (2 of 4 stars). 3 submissions from 3 submitters: Likely benign (3). Last evaluated 2026-05-18.

Conditions:
FDXR-related disorder. Also called: FDXR-related condition; FDXR-related disorders.

gnomAD v4.1: 160 of 1,613,322 alleles (0.0099%); highest among the groups gnomAD compares: Middle Eastern, 0.017%; no homozygotes.

Submissions (3):

PreventionGenetics, part of Exact Sciences
Classification: Likely benign for FDXR-related condition. Last evaluated: 2026-05-18. Review status: criteria provided, single submitter. Criteria: ACMG Guidelines, 2015. Collection method: clinical testing. Allele origin: germline.
Comment: This variant is classified as likely benign based on ACMG/AMP sequence variant interpretation guidelines (Richards et al. 2015 PMID: 25741868, with internal and published modifications).

CeGaT Center for Human Genetics Tuebingen
Classification: Likely benign. Last evaluated: 2024-12-01. Review status: criteria provided, single submitter. Criteria: CeGaT Center For Human Genetics Tuebingen Variant Classification Criteria Version 2. Collection method: clinical testing. Allele origin: germline. Affected: yes. Observed: 1 variant allele.
Comment: FDXR: BP4, BP7

Blueprint Genetics
Classification: Likely benign. Last evaluated: 2024-04-12. Review status: criteria provided, single submitter. Criteria: ACMG Guidelines, 2015. Collection method: clinical testing. Allele origin: germline.

NM_024417.5(FDXR):c.486C>T (p.Asn162=)

Gene: FDXR (ferredoxin reductase; minus strand). Cytogenetic location: 17q25.1.
Variant type: single nucleotide variant.
Coding change: c.486C>T on transcript NM_024417.5 (MANE Select); coding-DNA position 486, C replaced by T.
Protein change: p.Asn162=; no amino-acid change (asparagine 162 retained).
Molecular consequence: synonymous variant. On other transcripts: non-coding transcript variant (1).
Genome position (GRCh38, 1-based): chr17:74,866,152, G>A on the plus strand (C>T on the coding strand, the complement: FDXR is on the minus strand). VCF-style: chr17-74866152-G-A. GRCh37 (hg19) VCF-style: chr17-72862274-G-A.
Other names: c.615C>T, p.Asn205= (NM_001258012.4); c.579C>T, p.Asn193= (NM_001258013.4); c.462C>T, p.Asn154= (NM_001258014.4); c.366C>T, p.Asn122= (NM_001258015.3); c.330C>T, p.Asn110= (NM_001258016.3); c.486C>T, p.Asn162= (NM_004110.6); c.486C>T (NM_024417.4).
Identifiers: ClinVar variation 3770897 (VCV003770897.15).